The following is an entry in ClinVar:

ClinVar aggregate classification (germline): Pathogenic/Likely pathogenic. Review status: criteria provided, multiple submitters, no conflicts (2 of 4 stars). 11 submissions from 11 submitters: Pathogenic (5); Likely pathogenic (6). Last evaluated 2026-04-05.

Conditions:
Meckel-Gruber syndrome. Also called: DYSENCEPHALIA SPLANCHNOCYSTICA; GRUBER SYNDROME; Dysencephalia splachnocystica. Identifiers: Orphanet 564, MedGen C0265215, MONDO:0018921.
Joubert syndrome. Also called: Familial aplasia of the vermis; JOUBERT-BOLTSHAUSER SYNDROME. Identifiers: Orphanet 475, MedGen C5979921, MONDO:0018772.
Meckel syndrome, type 6. Identifiers: Orphanet 564, MedGen C2676790, MONDO:0012848, OMIM 612284.
COACH syndrome 2. Identifiers: MedGen C5436837, MONDO:0030859, OMIM 619111.
Retinitis pigmentosa 93. Identifiers: MedGen C5676970, MONDO:0030797, OMIM 619845.
Joubert syndrome 9 (JBTS9). Identifiers: Orphanet 2318, MedGen C2676788, MONDO:0012849, OMIM 612285.
CC2D2A-related disorder. Also called: CC2D2A-related condition; CC2D2A-related disorders. Identifiers: MedGen CN239313.

Allele frequency attached by ClinVar (database versions not stated): ExAC 0.00006; gnomAD 0.00006 and 0.00007; TOPMed 0.00007; 1000 Genomes Project 30x 0.00016; ESP Exome Variant Server 0.00017; 1000 Genomes Project 0.00020.
gnomAD v4.1: 24 of 1,611,658 alleles (0.0015%); highest among the groups gnomAD compares: African/African-American, 0.028%; no homozygotes.

Submissions (11):

PreventionGenetics, part of Exact Sciences
Classification: Likely pathogenic for CC2D2A-related condition. Last evaluated: 2026-04-05. Review status: criteria provided, single submitter. Criteria: ACMG Guidelines, 2015. Collection method: clinical testing. Allele origin: germline.
Comment: The CC2D2A c.394C>T variant is predicted to result in premature protein termination (p.Arg132*). This variant has been reported in the heterozygous state in an individual undergoing preconception carrier screening (Table S1, Capalbo et al. 2019. PubMed ID: 31589614). This variant is reported in 0.034% of alleles in individuals of African descent in gnomAD and has been interpreted as pathogenic and likely pathogenic by multiple submitters in ClinVar (Variation ID: 126242). Nonsense variants in CC2D2A are expected to be pathogenic. This variant is interpreted as likely pathogenic.

CeGaT Center for Human Genetics Tuebingen
Classification: Pathogenic. Last evaluated: 2026-03-01. Review status: criteria provided, single submitter. Criteria: CeGaT Center For Human Genetics Tuebingen Variant Classification Criteria Version 2. Collection method: clinical testing. Allele origin: germline. Affected: yes. Observed: 1 variant allele.
Comment: CC2D2A: PVS1, PM2

Labcorp Genetics (formerly Invitae), Labcorp
Classification: Pathogenic for Joubert syndrome; Meckel-Gruber syndrome. Last evaluated: 2026-01-24. Review status: criteria provided, single submitter. Criteria: Invitae Variant Classification Sherloc (09022015). Collection method: clinical testing. Allele origin: germline.
Comment: This sequence change creates a premature translational stop signal (p.Arg132*) in the CC2D2A gene. It is expected to result in an absent or disrupted protein product. Loss-of-function variants in CC2D2A are known to be pathogenic (PMID: 19777577). This variant is present in population databases (rs377177061, gnomAD 0.04%). This variant has not been reported in the literature in individuals affected with CC2D2A-related conditions. ClinVar contains an entry for this variant (Variation ID: 126242). For these reasons, this variant has been classified as Pathogenic.

Mayo Clinic Laboratories, Mayo Clinic
Classification: Likely pathogenic. Last evaluated: 2025-07-16. Review status: criteria provided, single submitter. Criteria: ACMG Guidelines, 2015. Collection method: clinical testing. Allele origin: germline. Observed: 1 variant allele.
Comment: PM2_supporting, PVS1

Greenwood Genetic Center Diagnostic Laboratories, Greenwood Genetic Center
Classification: Likely pathogenic for Joubert syndrome 9. Last evaluated: 2024-06-13. Review status: criteria provided, single submitter. Criteria: ACMG Guidelines, 2015. Collection method: clinical testing. Allele origin: germline. Affected: yes.
Comment: PVS1, PM2

GeneDx
Classification: Pathogenic. Last evaluated: 2024-04-16. Review status: criteria provided, single submitter. Criteria: GeneDx Variant Classification Process June 2021. Collection method: clinical testing. Allele origin: germline.
Comment: Reported previously in an unaffected carrier; however, no further information was provided (PMID: 31964843); Nonsense variant predicted to result in protein truncation or nonsense mediated decay in a gene for which loss of function is a known mechanism of disease; Not observed at significant frequency in large population cohorts (gnomAD); This variant is associated with the following publications: (PMID: 31589614, 31964843)

Fulgent Genetics
Classification: Likely pathogenic for Meckel syndrome, type 6; Joubert syndrome 9; COACH syndrome 2; Retinitis pigmentosa 93. Last evaluated: 2024-03-09. Review status: criteria provided, single submitter. Criteria: ACMG Guidelines, 2015. Collection method: clinical testing. Allele origin: germline.

Women's Health and Genetics/Laboratory Corporation of America, LabCorp
Classification: Pathogenic for Meckel syndrome, type 6. Last evaluated: 2023-06-21. Review status: criteria provided, single submitter. Criteria: LabCorp Variant Classification Summary - May 2015. Collection method: clinical testing. Allele origin: germline.
Comment: Variant summary: CC2D2A c.394C>T (p.Arg132X) results in a premature termination codon, predicted to cause a truncation of the encoded protein or absence of the protein due to nonsense mediated decay, which are commonly known mechanisms for disease. The variant allele was found at a frequency of 2.9e-05 in 245614 control chromosomes. The available data on variant occurrences in the general population are insufficient to allow any conclusion about variant significance. To our knowledge, no occurrence of c.394C>T in individuals affected with Meckel Syndrome Type 6 and no experimental evidence demonstrating its impact on protein function have been reported. Five submitters have reported clinical-significance assessments for this variant to ClinVar after 2014, and all submitters classified the variant as pathogenic (n = 3) or likely pathogenic (n = 2). Based on the evidence outlined above, the variant was classified as pathogenic.

Blueprint Genetics
Classification: Likely pathogenic for CC2D2A-related disorders. Last evaluated: 2022-09-02. Review status: criteria provided, single submitter. Criteria: ACMG Guidelines, 2015. Collection method: clinical testing. Allele origin: germline. Affected: yes. Observed: 3 variant alleles.

Genetic Services Laboratory, University of Chicago
Classification: Likely pathogenic for Meckel-Gruber syndrome. Last evaluated: 2019-12-18. Review status: criteria provided, single submitter. Criteria: ACMG Guidelines, 2015. Collection method: clinical testing. Allele origin: germline. Affected: yes.

Eurofins Ntd Llc (ga)
Classification: Pathogenic. Last evaluated: 2017-03-21. Review status: criteria provided, single submitter. Criteria: EGL Classification Definitions 2015. Collection method: clinical testing. Allele origin: germline. Observed: 1 variant allele, 1 heterozygote.

Literature cited by the submitters: PubMed 19777577 (cited by Labcorp Genetics (formerly Invitae), Labcorp and Mayo Clinic Laboratories, Mayo Clinic).

NM_001378615.1(CC2D2A):c.394C>T (p.Arg132Ter)

Genes: CC2D2A (coiled-coil and C2 domain containing 2A; plus strand), FBXL5 (F-box and leucine rich repeat protein 5; minus strand). Cytogenetic location: 4p15.32.
Variant type: single nucleotide variant.
Coding change: c.394C>T on transcript NM_001378615.1 (MANE Select); coding-DNA position 394, C replaced by T.
Protein change: p.Arg132Ter; replaces arginine 132 with a stop codon.
Molecular consequence: nonsense.
Genome position (GRCh38, 1-based): chr4:15,502,879, C>T. VCF-style: chr4-15502879-C-T. GRCh37 (hg19) VCF-style: chr4-15504502-C-T.
Other names: p.Arg132*; c.394C>T, p.Arg132Ter (NM_001080522.2); c.247C>T, p.Arg83Ter (NM_001378617.1); short protein forms R132*, R83*.
Identifiers: ClinVar variation 126242 (VCV000126242.32), dbSNP rs377177061, ClinGen allele CA150875.